The following is an entry in ClinVar:

NM_000051.4(ATM):c.2808A>G (p.Leu936=)

Gene: ATM (ATM serine/threonine kinase; plus strand). Cytogenetic location: 11q22.3.
Variant type: single nucleotide variant.
Coding change: c.2808A>G on transcript NM_000051.4 (MANE Select); coding-DNA position 2808, A replaced by G.
Protein change: p.Leu936=; no amino-acid change (leucine 936 retained).
Molecular consequence: synonymous variant.
Genome position (GRCh38, 1-based): chr11:108,268,579, A>G. VCF-style: chr11-108268579-A-G. GRCh37 (hg19) VCF-style: chr11-108139306-A-G.
Other names: c.2808A>G, p.Leu936= (NM_001351834.2).
Identifiers: ClinVar variation 186773 (VCV000186773.17), dbSNP rs547791214, ClinGen allele CA195830.

ClinVar aggregate classification (germline): Benign/Likely benign. Review status: criteria provided, multiple submitters, no conflicts (2 of 4 stars). 4 submissions from 4 submitters: Benign (1); Likely benign (3). Last evaluated 2025-10-06.

Conditions:
Ataxia-telangiectasia syndrome (AT). Also called: Ataxia-telangiectasia, complementation group D; AT, COMPLEMENTATION GROUP C; ATAXIA-TELANGIECTASIA, COMPLEMENTATION GROUP A; ATAXIA-TELANGIECTASIA, FRESNO VARIANT; Ataxia-telangiectasia; LOUIS-BAR SYNDROME. Identifiers: Orphanet 100, MedGen C0004135, MONDO:0008840, OMIM 208900.
Hereditary cancer-predisposing syndrome. Also called: Hereditary Cancer Syndrome; Neoplastic Syndromes, Hereditary; Tumor predisposition; Hereditary neoplastic syndrome. Identifiers: Orphanet 140162, MedGen C0027672, MeSH D009386, MONDO:0015356.
Familial cancer of breast. Also called: BREAST CANCER, FAMILIAL; Hereditary breast cancer; hereditary breast carcinoma. Identifiers: Orphanet 227535, MedGen C0346153, MONDO:0016419, OMIM 114480. Disease mechanism: loss of function.

Allele frequency attached by ClinVar (database versions not stated): gnomAD exomes below 0.00001; gnomAD 0.00001; 1000 Genomes Project 30x 0.00016; 1000 Genomes Project 0.00020.
gnomAD v4.1: 6 of 1,614,080 alleles (0.00037%); highest among the groups gnomAD compares: African/African-American, 0.0013%; no homozygotes.

Submissions (4):

Labcorp Genetics (formerly Invitae), Labcorp
Classification: Likely benign for Ataxia-telangiectasia syndrome. Last evaluated: 2025-10-06. Review status: criteria provided, single submitter. Criteria: Invitae Variant Classification Sherloc (09022015). Collection method: clinical testing. Allele origin: germline.

Myriad Genetics, Inc.
Classification: Benign for Familial cancer of breast. Last evaluated: 2024-05-10. Review status: criteria provided, single submitter. Criteria: Myriad Autosomal Dominant, Autosomal Recessive and X-Linked Classification Criteria (2023). Collection method: clinical testing. Allele origin: unknown.
Comment: This variant is considered benign. This variant is a silent/synonymous amino acid change and it is not expected to impact splicing.

Color Diagnostics, LLC DBA Color Health
Classification: Likely benign for Hereditary cancer-predisposing syndrome. Last evaluated: 2017-04-17. Review status: criteria provided, single submitter. Criteria: ACMG Guidelines, 2015. Collection method: clinical testing. Allele origin: germline.

Ambry Genetics
Classification: Likely benign for Hereditary cancer-predisposing syndrome. Last evaluated: 2014-10-17. Review status: criteria provided, single submitter. Criteria: Ambry Variant Classification Scheme 2023. Collection method: clinical testing. Allele origin: germline.